The following is an entry in ClinVar:

ClinVar aggregate classification (germline): Uncertain significance (1 of 4 stars; one submission).

Conditions:
Hypertrophic cardiomyopathy. Also called: HYPERTROPHIC MYOCARDIOPATHY. Identifiers: Orphanet 217569, MedGen C0007194, MeSH D002312, MONDO:0005045, HP:0001639.

Submission:

Labcorp Genetics (formerly Invitae), Labcorp
Classification: Uncertain significance for Hypertrophic cardiomyopathy. Last evaluated: 2023-06-17. Review status: criteria provided, single submitter. Criteria: Invitae Variant Classification Sherloc (09022015). Collection method: clinical testing. Allele origin: germline.
Comment: In summary, the available evidence is currently insufficient to determine the role of this variant in disease. Therefore, it has been classified as a Variant of Uncertain Significance. An algorithm developed to predict the effect of missense changes on protein structure and function (PolyPhen-2) suggests that this variant is likely to be disruptive. This variant has not been reported in the literature in individuals affected with MYL3-related conditions. This variant is not present in population databases (gnomAD no frequency). This sequence change replaces lysine, which is basic and polar, with asparagine, which is neutral and polar, at codon 70 of the MYL3 protein (p.Lys70Asn).

NM_000258.3(MYL3):c.210G>C (p.Lys70Asn)

Gene: MYL3 (myosin light chain 3; minus strand). Cytogenetic location: 3p21.31.
Variant type: single nucleotide variant.
Coding change: c.210G>C on transcript NM_000258.3 (MANE Select); coding-DNA position 210, G replaced by C.
Protein change: p.Lys70Asn; replaces lysine 70 with asparagine.
Molecular consequence: missense variant.
Genome position (GRCh38, 1-based): chr3:46,860,773, C>G on the plus strand (G>C on the coding strand, the complement: MYL3 is on the minus strand). VCF-style: chr3-46860773-C-G. GRCh37 (hg19) VCF-style: chr3-46902263-C-G.
Other names: c.210G>C, p.Lys70Asn (NM_001406937.1, NM_001406938.1, NM_001406939.1); c.36G>C, p.Lys12Asn (NM_001406940.1, NM_001406941.1); short protein forms K12N, K70N.
Identifiers: ClinVar variation 2718403 (VCV002718403.3), dbSNP rs2544967210, ClinGen allele CA352498420.
Genomic context (GRCh38, chr3:46,860,773, plus strand): 5'-TGCCTGTGTGGGGTTCTGGCCCAGCGCCCGCAGGACATCCCCACACTGCCCGTAGGTGAT[C>G]TTCATCTCACACTTGGGTGTGCGGTCGAACAGCATGAAGGCTTCCTTGAACTCTGCCAGG-3'
Protein context (NP_000249.1, residues 60-80): LFDRTPKCEM[Lys70Asn]ITYGQCGDVL